The following is an entry in ClinVar:

NM_001267550.2(TTN):c.6927T>A (p.Asn2309Lys)

Genes: TTN (titin; minus strand), LOC126806433 (BRD4-independent group 4 enhancer GRCh37_chr2:179638309-179639508; plus strand). Cytogenetic location: 2q31.2.
Variant type: single nucleotide variant.
Coding change: c.6927T>A on transcript NM_001267550.2 (MANE Select); coding-DNA position 6927, T replaced by A.
Protein change: p.Asn2309Lys; replaces asparagine 2309 with lysine.
Molecular consequence: missense variant.
Genome position (GRCh38, 1-based): chr2:178,774,337, A>T on the plus strand (T>A on the coding strand, the complement: TTN is on the minus strand). VCF-style: chr2-178774337-A-T. GRCh37 (hg19) VCF-style: chr2-179639064-A-T.
Other names: c.6927T>A, p.Asn2309Lys (NM_133378.4, NM_133379.5, NM_001256850.1); c.6789T>A, p.Asn2263Lys (NM_133432.3, NM_133437.4, NM_003319.4); short protein forms N2309K, N2263K.
Identifiers: ClinVar variation 192073 (VCV000192073.9), dbSNP rs147580120, ClinGen allele CA238249.

ClinVar aggregate classification (germline): Conflicting classifications of pathogenicity. Review status: criteria provided, conflicting classifications (1 of 4 stars). 5 submissions from 5 submitters: Uncertain significance (4); Likely benign (1). Last evaluated 2026-02-19.

Conditions:
TTN-related disorder. Also called: TTN-related condition; TTN-related disease; TTN-related disorders.
Dilated cardiomyopathy 1G (CMD1G). Identifiers: Orphanet 154, MedGen C1858763, MONDO:0011400, OMIM 604145.
Autosomal recessive limb-girdle muscular dystrophy type 2J (LGMDR10). Also called: Limb-girdle muscular dystrophy, type 2J; MUSCULAR DYSTROPHY, LIMB-GIRDLE, AUTOSOMAL RECESSIVE 10. Identifiers: Orphanet 140922, MedGen C1837342, MONDO:0012127, OMIM 608807.
Cardiovascular phenotype. Identifiers: MedGen CN230736.

Allele frequency attached by ClinVar (database versions not stated): gnomAD exomes below 0.00001 and 0.00002; ExAC 0.00006; gnomAD 0.00009 and 0.00010; TOPMed 0.00013; 1000 Genomes Project 30x 0.00016; 1000 Genomes Project 0.00020; ESP Exome Variant Server 0.00023.
gnomAD v4.1: 19 of 1,614,086 alleles (0.0012%); highest among the groups gnomAD compares: African/African-American, 0.024%; no homozygotes.

Submissions (5):

PreventionGenetics, part of Exact Sciences
Classification: Uncertain significance for TTN-related condition. Last evaluated: 2026-02-19. Review status: criteria provided, single submitter. Criteria: ACMG Guidelines, 2015. Collection method: clinical testing. Allele origin: germline.
Comment: The TTN c.6927T>A variant is predicted to result in the amino acid substitution p.Asn2309Lys. To our knowledge, this variant has not been reported in the literature in individuals with TTN-related disorders. This variant is reported in 0.037% of alleles in individuals of African descent in gnomAD. At this time, the clinical significance of this variant is uncertain due to the absence of conclusive functional and genetic evidence.

GeneDx
Classification: Likely benign. Last evaluated: 2020-04-06. Review status: criteria provided, single submitter. Criteria: GeneDx Variant Classification Process June 2021. Collection method: clinical testing. Allele origin: germline. Affected: yes.

Ambry Genetics
Classification: Uncertain significance for Cardiovascular phenotype. Last evaluated: 2019-06-18. Review status: criteria provided, single submitter. Criteria: Ambry Variant Classification Scheme 2023. Collection method: clinical testing. Allele origin: germline.
Comment: The p.N2263K variant (also known as c.6789T>A), located in coding exon 28 of the TTN gene, results from a T to A substitution at nucleotide position 6789. The asparagine at codon 2263 is replaced by lysine, an amino acid with similar properties. This alteration has been reported (as NM_133378.4:c.6927T>A p.N2309K) as a secondary cardiac variant in an exome cohort (Ng D et al. Circ Cardiovasc Genet, 2013 Aug;6:337-46). This amino acid position is not well conserved in available vertebrate species. In addition, this alteration is predicted to be tolerated by in silico analysis. Since supporting evidence is limited at this time, the clinical significance of this alteration remains unclear.

Labcorp Genetics (formerly Invitae), Labcorp
Classification: Uncertain significance for Dilated cardiomyopathy 1G; Autosomal recessive limb-girdle muscular dystrophy type 2J. Last evaluated: 2017-09-04. Review status: criteria provided, single submitter. Criteria: Invitae Variant Classification Sherloc (09022015). Collection method: clinical testing. Allele origin: germline.
Comment: This sequence change replaces asparagine with lysine at codon 2309 of the TTN protein (p.Asn2309Lys). There is a moderate physicochemical difference between asparagine and lysine. This variant is present in population databases (rs147580120, ExAC 0.07%). This variant has not been reported in the literature in individuals with TTN-related disease. ClinVar contains an entry for this variant (Variation ID: 192073). Algorithms developed to predict the effect of sequence changes on RNA splicing suggest that this variant may create or strengthen a splice site, but this prediction has not been confirmed by published transcriptional studies. In summary, the available evidence is currently insufficient to determine the role of this variant in disease. Therefore, it has been classified as a Variant of Uncertain Significance.

Biesecker Lab/Clinical Genomics Section, National Institutes of Health
Classification: Uncertain significance. Last evaluated: 2013-06-24. Review status: criteria provided, single submitter. Criteria: Ng et al. (Circ Cardiovasc Genet. 2013). Collection method: research. Allele origin: unknown. Observed: 1 variant allele. Study: ClinSeq.
Comment: The study set was not selected for affection status in relation to any cancer. Pathogenicity categories were based on literature curation. See Pubmed ID:23861362 for details.

Medical sequencing

Literature cited by the submitters: PubMed 23861362 (cited by Ambry Genetics).